The following is an entry in ClinVar:

NM_002485.5(NBN):c.113A>T (p.Asp38Val)

Gene: NBN (nibrin; minus strand). Cytogenetic location: 8q21.3.
Variant type: single nucleotide variant.
Coding change: c.113A>T on transcript NM_002485.5 (MANE Select); coding-DNA position 113, A replaced by T.
Protein change: p.Asp38Val; replaces aspartic acid 38 with valine.
Molecular consequence: missense variant. On other transcripts: 5 prime UTR variant (1).
Genome position (GRCh38, 1-based): chr8:89,982,780, T>A on the plus strand (A>T on the coding strand, the complement: NBN is on the minus strand). VCF-style: chr8-89982780-T-A. GRCh37 (hg19) VCF-style: chr8-90995008-T-A.
Other names: c.-184A>T (NM_001024688.3); c.113A>T (NM_002485.4); short protein forms D38V.
Identifiers: ClinVar variation 1482675 (VCV001482675.11), dbSNP rs2129925061, ClinGen allele CA371663158.

ClinVar aggregate classification (germline): Uncertain significance. Review status: criteria provided, multiple submitters, no conflicts (2 of 4 stars). 3 submissions from 3 submitters: Uncertain significance (3). Last evaluated 2025-01-08.

Conditions:
Hereditary cancer-predisposing syndrome. Also called: Hereditary neoplastic syndrome; Tumor predisposition; Neoplastic Syndromes, Hereditary; Hereditary Cancer Syndrome. Identifiers: Orphanet 140162, MedGen C0027672, MeSH D009386, MONDO:0015356.
Microcephaly, normal intelligence and immunodeficiency (NBS). Also called: Nijmegen breakage syndrome; Microcephaly with normal intelligence immunodeficiency and lymphoreticular malignancies; Nonsyndromal microcephaly autosomal recessive with normal intelligence; Seemanova syndrome 2; IMMUNODEFICIENCY, MICROCEPHALY, AND CHROMOSOMAL INSTABILITY; SEEMANOVA SYNDROME II. Identifiers: Orphanet 647, MedGen C0398791, MONDO:0009623, OMIM 251260.

Allele frequency attached by ClinVar (database versions not stated): gnomAD exomes below 0.00001.
gnomAD v4.1: 1 of 1,613,992 alleles (0.000062%); highest among the groups gnomAD compares: Non-Finnish European, 0.000085%; no homozygotes.

Submissions (3):

Ambry Genetics
Classification: Uncertain significance for Hereditary cancer-predisposing syndrome. Last evaluated: 2025-01-08. Review status: criteria provided, single submitter. Criteria: Ambry Variant Classification Scheme 2023. Collection method: clinical testing. Allele origin: germline.
Comment: The p.D38V variant (also known as c.113A>T), located in coding exon 2 of the NBN gene, results from an A to T substitution at nucleotide position 113. The aspartic acid at codon 38 is replaced by valine, an amino acid with highly dissimilar properties. This amino acid position is conserved. In addition, this alteration is predicted to be deleterious by in silico analysis. Based on the available evidence, the clinical significance of this variant remains unclear.

Labcorp Genetics (formerly Invitae), Labcorp
Classification: Uncertain significance for Microcephaly, normal intelligence and immunodeficiency. Last evaluated: 2021-04-23. Review status: criteria provided, single submitter. Criteria: Invitae Variant Classification Sherloc (09022015). Collection method: clinical testing. Allele origin: germline.
Comment: Algorithms developed to predict the effect of missense changes on protein structure and function are either unavailable or do not agree on the potential impact of this missense change (SIFT: "Deleterious"; PolyPhen-2: "Probably Damaging"; Align-GVGD: "Class C0"). In summary, the available evidence is currently insufficient to determine the role of this variant in disease. Therefore, it has been classified as a Variant of Uncertain Significance. This variant has not been reported in the literature in individuals with NBN-related conditions. This sequence change replaces aspartic acid with valine at codon 38 of the NBN protein (p.Asp38Val). The aspartic acid residue is highly conserved and there is a large physicochemical difference between aspartic acid and valine. This variant is not present in population databases (ExAC no frequency).

Revvity Omics, Revvity
Classification: Uncertain significance. Last evaluated: 2019-11-18. Review status: criteria provided, single submitter. Criteria: ACMG Guidelines, 2015. Collection method: clinical testing. Allele origin: germline.